The following is an entry in ClinVar:

ClinVar aggregate classification (germline): Likely pathogenic (1 of 4 stars; one submission).

Conditions:
Nonsyndromic genetic hearing loss. Also called: Nonsyndromic hearing loss and deafness; Non-syndromic genetic deafness; Nonsyndromic genetic deafness. Identifiers: Orphanet 87884, MedGen C5680182, MONDO:0019497.

Submission:

Women's Health and Genetics/Laboratory Corporation of America, LabCorp
Classification: Likely pathogenic for Nonsyndromic genetic hearing loss. Last evaluated: 2026-01-08. Review status: criteria provided, single submitter. Criteria: LabCorp Variant Classification Summary - May 2015. Collection method: clinical testing. Allele origin: germline.
Comment: Variant summary: OTOF c.2866+1G>C is located in a canonical splice-site and is predicted to affect mRNA splicing resulting in a significantly altered protein due to either exon skipping, shortening, or inclusion of intronic material. Variants that disrupt the consensus splice site are a relatively common cause of aberrant splicing and loss of OTOF function. Several computational tools predict a significant impact on normal splicing: Four predict the variant abolishes a canonical 5' splicing donor site. However, these predictions have yet to be confirmed by functional studies. The variant was absent in 245996 control chromosomes. To our knowledge, no occurrence of c.2866+1G>C in individuals affected with OTOF-related conditions and no experimental evidence demonstrating its impact on protein function have been reported. No submitters have cited clinical-significance assessments for this variant to ClinVar. Based on the evidence outlined above, the variant was classified as likely pathogenic.

NM_194248.3(OTOF):c.2866+1G>C

Gene: OTOF (otoferlin; minus strand). Cytogenetic location: 2p23.3.
Variant type: single nucleotide variant.
Coding change: c.2866+1G>C on transcript NM_194248.3 (MANE Select); the canonical splice donor site of the intron after coding-DNA position 2866, G replaced by C.
Molecular consequence: splice donor variant.
Genome position (GRCh38, 1-based): chr2:26,476,127, C>G on the plus strand (G>C on the coding strand, the complement: OTOF is on the minus strand). VCF-style: chr2-26476127-C-G. GRCh37 (hg19) VCF-style: chr2-26698995-C-G.
Other names: c.2866+1G>C (NM_001287489.2); c.625+1G>C (NM_194323.3, NM_004802.4); c.796+1G>C (NM_194322.3).
Identifiers: ClinVar variation 4689547 (VCV004689547.1).
Genomic context (GRCh38, chr2:26,476,127, plus strand): 5'-GGATGGGCAGCCCCTCCGGCCCCCTCCCAGGTGAGGCTTCGAGTGAGGGGTCCTCACTCA[C>G]TGGTGTAGACCAGGCTGACGGGTGGGAAGGCATGCAGGCCCAGGCCCTGGGCTGCCTTGA-3'